The following is an entry in ClinVar:

ClinVar aggregate classification (germline): Likely pathogenic (1 of 4 stars; one submission).

Conditions:
Charcot-Marie-Tooth disease axonal type 2O. Also called: Charcot-Marie-Tooth disease, axonal, type 20; CHARCOT-MARIE-TOOTH NEUROPATHY, AXONAL, TYPE 2O; CHARCOT-MARIE-TOOTH DISEASE, AXONAL, AUTOSOMAL DOMINANT, TYPE 2O; Charcot-Marie-Tooth Neuropathy Type 2O. Identifiers: Orphanet 284232, MedGen C3280220, MONDO:0013644, OMIM 614228.

Submission:

Labcorp Genetics (formerly Invitae), Labcorp
Classification: Likely pathogenic for Charcot-Marie-Tooth disease axonal type 2O. Last evaluated: 2024-07-20. Review status: criteria provided, single submitter. Criteria: Invitae Variant Classification Sherloc (09022015). Collection method: clinical testing. Allele origin: germline.
Comment: This sequence change replaces arginine, which is basic and polar, with leucine, which is neutral and non-polar, at codon 2332 of the DYNC1H1 protein (p.Arg2332Leu). This variant is not present in population databases (gnomAD no frequency). This variant has not been reported in the literature in individuals affected with DYNC1H1-related conditions. Advanced modeling of protein sequence and biophysical properties (such as structural, functional, and spatial information, amino acid conservation, physicochemical variation, residue mobility, and thermodynamic stability) performed at Invitae indicates that this missense variant is expected to disrupt DYNC1H1 protein function with a positive predictive value of 95%. This variant disrupts the p.Arg2332 amino acid residue in DYNC1H1. Other variant(s) that disrupt this residue have been determined to be pathogenic (PMID: 25590979, 27754416). This suggests that this residue is clinically significant, and that variants that disrupt this residue are likely to be disease-causing. In summary, the currently available evidence indicates that the variant is pathogenic, but additional data are needed to prove that conclusively. Therefore, this variant has been classified as Likely Pathogenic.

Literature cited by the submitters: PubMed 25590979; PubMed 27754416.

NM_001376.5(DYNC1H1):c.6995G>T (p.Arg2332Leu)

Gene: DYNC1H1 (dynein cytoplasmic 1 heavy chain 1; plus strand). Cytogenetic location: 14q32.31.
Variant type: single nucleotide variant.
Coding change: c.6995G>T on transcript NM_001376.5 (MANE Select); coding-DNA position 6995, G replaced by T.
Protein change: p.Arg2332Leu; replaces arginine 2332 with leucine.
Molecular consequence: missense variant.
Genome position (GRCh38, 1-based): chr14:102,012,451, G>T. VCF-style: chr14-102012451-G-T. GRCh37 (hg19) VCF-style: chr14-102478788-G-T.
Other names: short protein forms R2332L.
Identifiers: ClinVar variation 3636156 (VCV003636156.2).